The following is an entry in ClinVar:

NM_018444.4(PDP1):c.1495C>T (p.Arg499Cys)

Gene: PDP1 (pyruvate dehydrogenase phosphatase catalytic subunit 1; plus strand). Cytogenetic location: 8q22.1.
Variant type: single nucleotide variant.
Coding change: c.1495C>T on transcript NM_018444.4 (MANE Select); coding-DNA position 1495, C replaced by T.
Protein change: p.Arg499Cys; replaces arginine 499 with cysteine.
Molecular consequence: missense variant.
Genome position (GRCh38, 1-based): chr8:93,923,554, C>T. VCF-style: chr8-93923554-C-T. GRCh37 (hg19) VCF-style: chr8-94935782-C-T.
Other names: c.1570C>T, p.Arg524Cys (NM_001161779.2, NM_001161780.2); c.1495C>T, p.Arg499Cys (NM_001161781.2); short protein forms R524C, R499C.
Identifiers: ClinVar variation 2532250 (VCV002532250.3), dbSNP rs761636189, ClinGen allele CA4808840.

ClinVar aggregate classification (germline): Uncertain significance. Review status: criteria provided, multiple submitters, no conflicts (2 of 4 stars). 2 submissions from 2 submitters: Uncertain significance (2). Last evaluated 2026-02-25.

Conditions:
Inborn genetic diseases. Identifiers: MedGen C0950123, MeSH D030342.

Allele frequency attached by ClinVar (database versions not stated): gnomAD exomes 0.00001; TOPMed 0.00001; ExAC 0.00001.
gnomAD v4.1: 10 of 1,612,440 alleles (0.00062%); highest among the groups gnomAD compares: South Asian, 0.0033%; no homozygotes.

Submissions (2):

GeneDx
Classification: Uncertain significance. Last evaluated: 2026-02-25. Review status: criteria provided, single submitter. Criteria: GeneDx Variant Classification Process June 2021. Collection method: clinical testing. Allele origin: germline.
Comment: Not observed at significant frequency in large population cohorts (gnomAD); In silico analysis supports that this missense variant has a deleterious effect on protein structure/function; Has not been previously published as pathogenic or benign to our knowledge

Ambry Genetics
Classification: Uncertain significance for Inborn genetic diseases. Last evaluated: 2023-05-05. Review status: criteria provided, single submitter. Criteria: Ambry Variant Classification Scheme 2023. Collection method: clinical testing. Allele origin: germline.